The following is an entry in ClinVar:

NM_000132.4(F8):c.1492G>A (p.Gly498Arg)

Gene: F8 (coagulation factor VIII; minus strand). Cytogenetic location: Xq28.
Variant type: single nucleotide variant.
Coding change: c.1492G>A on transcript NM_000132.4 (MANE Select); coding-DNA position 1492, G replaced by A.
Protein change: p.Gly498Arg; replaces glycine 498 with arginine.
Molecular consequence: missense variant.
Genome position (GRCh38, 1-based): chrX:154,961,120, C>T on the plus strand (G>A on the coding strand, the complement: F8 is on the minus strand). VCF-style: chrX-154961120-C-T. GRCh37 (hg19) VCF-style: chrX-154189395-C-T.
Other names: F8, GLY498ARG; short protein forms G498R.
Identifiers: ClinVar variation 10217 (VCV000010217.16), dbSNP rs137852414, ClinGen allele CA255109.
Genomic context (GRCh38, chrX:154,961,120, plus strand): 5'-CGAGGGAATATTTACCTTTTGGTAATCTCCTTGAATACAAAGGACGGACATCAGTGATTC[C>T]GTGAGGGTAGATGTTATATGGTCTGCTTGCTTGATTCTTAAATATAATCTGAAAGTATAA-3'
Protein context (NP_000123.1, residues 488-508): ASRPYNIYPH[Gly498Arg]ITDVRPLYSR

ClinVar aggregate classification (germline): Pathogenic. Review status: criteria provided, multiple submitters, no conflicts (2 of 4 stars). 4 submissions from 4 submitters: Pathogenic (3). 1 of the submissions does not count toward it. Last evaluated 2024-11-26.

Conditions:
Hereditary factor IX deficiency disease (HEMB). Also called: Christmas Disease; F9 DEFICIENCY; FACTOR IX DEFICIENCY; Hemophilia B; PLASMA THROMBOPLASTIN COMPONENT DEFICIENCY. Identifiers: Orphanet 98879, MedGen C0008533, MeSH D002836, MONDO:0010604, OMIM 306900.
Hereditary factor VIII deficiency disease (HEMA). Also called: HEMOPHILIA, CLASSIC; Hemophilia A; Hemophilia A, congenital; HEM A; Factor 8 deficiency, congenital; AUTOSOMAL HEMOPHILIA A. Identifiers: Orphanet 98878, MedGen C0019069, MONDO:0010602, OMIM 306700.

Allele frequency attached by ClinVar (database versions not stated): gnomAD exomes below 0.00001.

Submissions (4):

GeneDx
Classification: Pathogenic. Last evaluated: 2024-11-26. Review status: criteria provided, single submitter. Criteria: GeneDx Variant Classification Process June 2021. Collection method: clinical testing. Allele origin: germline. Affected: yes.
Comment: Not observed at significant frequency in large population cohorts (gnomAD); In silico analysis supports that this missense variant has a deleterious effect on protein structure/function; Also known as G479R; This variant is associated with the following publications: (PMID: 9326186, 9452104, 30046696, 24845853, 8054459, 10404764, 9603440, 11410838, 18691168, 22883072, 20331761, 16769589, 33254277, 25550078, 32232366, 19473423, 39125936, 7728145, 11857744, 8490618, 8281136, 32166871, 37525882, 35014236, 31064749)

ARUP Laboratories, Molecular Genetics and Genomics, ARUP Laboratories
Classification: Pathogenic for Hereditary factor VIII deficiency disease. Last evaluated: 2019-12-03. Review status: criteria provided, single submitter. Criteria: ARUP Molecular Germline Variant Investigation Process. Collection method: clinical testing. Allele origin: germline.
Comment: The F8 c.1492G>A; p.Gly498Arg variant (rs137852414), also known as Gly479Arg, is reported in the literature in several individuals affected with hemophilia A, with a severity ranging from mild to severe (see F8 variant database and references therein). This variant is reported in ClinVar (Variation ID: 10217), but is absent from the general population databases (Exome Variant Server, Genome Aggregation Database), indicating it is not a common polymorphism. The glycine at residue 498 is highly conserved, and computational algorithms (SIFT, PolyPhen-2) predict that this is deleterious. Based on available information, this variant is considered to be pathogenic. References: Link to F8 variant database for p.Gly498Arg

NIHR Bioresource Rare Diseases, University of Cambridge
Classification: Pathogenic for Hereditary factor IX deficiency disease. Last evaluated: 2019-02-01. Review status: criteria provided, single submitter. Criteria: ACMG Guidelines, 2015. Collection method: research. Allele origin: unknown. Affected: yes. Observed: 1 hemizygote. Study: ThromboGenomics.

OMIM
Classification: Pathogenic for HEMOPHILIA A. Last evaluated: 1995-01-01. Review status: no assertion criteria provided. Collection method: literature only. Allele origin: germline. Not counted in ClinVar's aggregate classification.

Literature cited by the submitters: PubMed 31064749 (cited by NIHR Bioresource Rare Diseases, University of Cambridge); PubMed 8281136 (cited by OMIM); PubMed 7728145 (cited by OMIM); PubMed 6438527 (cited by OMIM).